The following is an entry in ClinVar:

NM_000030.3(AGXT):c.121G>A (p.Gly41Arg)

Gene: AGXT (alanine--glyoxylate aminotransferase; plus strand). Cytogenetic location: 2q37.3.
Variant type: single nucleotide variant.
Coding change: c.121G>A on transcript NM_000030.3 (MANE Select); coding-DNA position 121, G replaced by A.
Protein change: p.Gly41Arg; replaces glycine 41 with arginine.
Molecular consequence: missense variant.
Genome position (GRCh38, 1-based): chr2:240,868,986, G>A. VCF-style: chr2-240868986-G-A. GRCh37 (hg19) VCF-style: chr2-241808403-G-A.
Other names: short protein forms G41R.
Identifiers: ClinVar variation 5644 (VCV000005644.41), dbSNP rs121908523, ClinGen allele CA340443.
Genomic context (GRCh38, chr2:240,868,986, plus strand): 5'-CCCAACCAGCTCCTGCTGGGGCCTGGTCCTTCCAACCTGCCTCCTCGCATCATGGCAGCC[G>A]GGGGGCTGCAGATGATCGGGTCCATGAGCAAGGATATGTACCAGGTAGGAGTGGGGGTCA-3'
Protein context (NP_000021.1, residues 31-51): SNLPPRIMAA[Gly41Arg]GLQMIGSMSK

ClinVar aggregate classification (germline): Pathogenic. Review status: criteria provided, multiple submitters, no conflicts (2 of 4 stars). 16 submissions from 16 submitters: Pathogenic (10). 6 of the submissions do not count toward it. Last evaluated 2026-01-05.

Conditions:
AGXT-related disorder. Also called: AGXT-related condition.
Nephrocalcinosis. Also called: Hypercalcemic nephropathy. Identifiers: MedGen C0027709, MONDO:0001567, HP:0000121.
Kidney stone. Also called: Nephrolithiasis. Identifiers: MedGen C0392525, MONDO:0008171, HP:0000787.
Primary hyperoxaluria. Identifiers: Orphanet 416, MedGen C0020501, MONDO:0002474.
Primary hyperoxaluria, type I (HP1). Also called: GLYCOLIC ACIDURIA; HEPATIC AGT DEFICIENCY; OXALOSIS I; Primary hyperoxaluria type 1. Identifiers: Orphanet 416, Orphanet 93598, MedGen C0268164, MONDO:0009823, OMIM 259900. Disease mechanism: loss of function.

Allele frequency attached by ClinVar (database versions not stated): ExAC 0.00002; gnomAD 0.00004 and 0.00005; gnomAD exomes 0.00001; TOPMed 0.00005.

Submissions (16):

Labcorp Genetics (formerly Invitae), Labcorp
Classification: Pathogenic. Last evaluated: 2026-01-05. Review status: criteria provided, single submitter. Criteria: Invitae Variant Classification Sherloc (09022015). Collection method: clinical testing. Allele origin: germline.
Comment: This sequence change replaces glycine, which is neutral and non-polar, with arginine, which is basic and polar, at codon 41 of the AGXT protein (p.Gly41Arg). This variant is present in population databases (rs121908523, gnomAD 0.003%). This missense change has been observed in individual(s) with primary hyperoxaluria type 1 (PMID: 8101040). In at least one individual the data is consistent with being in trans (on the opposite chromosome) from a pathogenic variant. ClinVar contains an entry for this variant (Variation ID: 5644). Invitae Evidence Modeling of protein sequence and biophysical properties (such as structural, functional, and spatial information, amino acid conservation, physicochemical variation, residue mobility, and thermodynamic stability) indicates that this missense variant is expected to disrupt AGXT protein function with a positive predictive value of 80%. Experimental studies have shown that this missense change affects AGXT function (PMID: 15802217, 20133649, 23229545). For these reasons, this variant has been classified as Pathogenic.

Rare Kidney Stone Consortium and the Mayo Clinic Hyperoxaluria Center, Mayo Clinic
Classification: Pathogenic for Primary hyperoxaluria, type I. Last evaluated: 2025-10-03. Review status: criteria provided, single submitter. Criteria: ACMG Guidelines, 2015. Collection method: research. Allele origin: germline. Affected: yes. Observed: 3 variant alleles.
Comment: ACMG:PS1, PM1, PM2, PM5, PP2, PP3, PP5

3billion
Classification: Pathogenic for Primary hyperoxaluria, type I. Last evaluated: 2025-08-19. Review status: criteria provided, single submitter. Criteria: ACMG Guidelines, 2015. Collection method: clinical testing. Allele origin: germline. Affected: yes.
Comment: The variant is observed at an extremely low frequency in the gnomAD v4.1.0 dataset (total allele frequency: 0.009%). Predicted Consequence/Location: Missense variant Functional studies provide supporting evidence of the variant having a damaging effect on the gene or gene product (PMID: 15802217). In silico tool predictions suggest damaging effect of the variant on gene or gene product [REVEL: 0.75 (>=0.6, sensitivity 0.68 and specificity 0.92)]. The same nucleotide change resulting in the same amino acid change has been previously reported as pathogenic/likely pathogenic with strong evidence (ClinVar ID: VCV000005644 /PMID: 8101040). Different missense changes at the same codon (p.Gly41Glu, p.Gly41Trp, p.Gly41Val) have been reported as pathogenic/likely pathogenic with strong evidence (ClinVar ID: VCV000188985, VCV000204073, VCV003359184 /PMID: 17495019, 30341509, None). Therefore, this variant is classified as Pathogenic according to the recommendation of ACMG/AMP guideline.

Natera, Inc.
Classification: Pathogenic for Primary hyperoxaluria type I. Last evaluated: 2025-08-19. Review status: criteria provided, single submitter. Criteria: Natera Variant Classification Schema (03/2026). Collection method: clinical testing. Allele origin: germline.
Comment: The c.121G>A variant in AGXT is a missense variant predicted to cause substitution of glycine to arginine at amino acid 41. This variant is rare in the general population with a frequency below the threshold expected for the associated phenotype(s). This variant has been observed in one or more individuals affected with the associated recessive disease, as either homozygous or compound heterozygous with a second variant (PMID: 17460142). Computational prediction algorithms indicate this variant is likely to affect gene or protein function. Given the available evidence, this variant is classified as Pathogenic.

GeneDx
Classification: Pathogenic. Last evaluated: 2025-08-12. Review status: criteria provided, single submitter. Criteria: GeneDx Variant Classification Process June 2021. Collection method: clinical testing. Allele origin: germline. Affected: yes.
Comment: Published functional studies demonstrated impaired enzyme activity (PMID: 15802217); Not observed at significant frequency in large population cohorts (gnomAD); In silico analysis supports that this missense variant has a deleterious effect on protein structure/function; This variant is associated with the following publications: (PMID: 21176891, 10960483, 26161999, 2889341, 32518881, 8101040, 23229545, 20133649, 23597595, 22923379, 15802217, 36409364, 35314707, 34758253, 35612621, 38657121, 37306718)

PreventionGenetics, part of Exact Sciences
Classification: Pathogenic for AGXT-related condition. Last evaluated: 2025-04-30. Review status: criteria provided, single submitter. Criteria: ACMG Guidelines, 2015. Collection method: clinical testing. Allele origin: germline.
Comment: The AGXT c.121G>A variant is predicted to result in the amino acid substitution p.Gly41Arg. This variant has been reported in the compound heterozygous and homozygous state in individuals with primary hyperoxaluria (Danpure et al. 1993. PubMed ID: 8101040; Singh et al. 2020. PubMed ID: 32518881). Functional studies indicate that alterations at p.Gly41 result in impaired dimerization, altered protein confirmation and stability, and reduced enzymatic activity (Coulter-Mackie et al. 2005. PubMed ID: 15802217; Cellini et al. 2010. PubMed ID: 20133649). This variant is reported in 0.0033% of alleles in individuals of South Asian descent in gnomAD. This variant is interpreted as pathogenic.

Blueprint Genetics
Classification: Pathogenic for AGXT-related disorders. Last evaluated: 2023-07-06. Review status: criteria provided, single submitter. Criteria: ACMG Guidelines, 2015. Collection method: clinical testing. Allele origin: germline. Affected: yes. Observed: 5 variant alleles.

Women's Health and Genetics/Laboratory Corporation of America, LabCorp
Classification: Pathogenic for Primary hyperoxaluria. Last evaluated: 2022-12-16. Review status: criteria provided, single submitter. Criteria: LabCorp Variant Classification Summary - May 2015. Collection method: clinical testing. Allele origin: germline.
Comment: Variant summary: AGXT c.121G>A (p.Gly41Arg) results in a non-conservative amino acid change located in the Aminotransferase class V domain (IPR000192) of the encoded protein sequence. Four of five in-silico tools predict a damaging effect of the variant on protein function. The variant allele was found at a frequency of 1.2e-05 in 247366 control chromosomes. c.121G>A has been reported in the literature as bialleic homozygous or compound heterozygous genotypes in multiple individuals affected with Primary Hyperoxaluria Type 1 or 2 (example, Monico_2007, Birtel_2019, Frishberg_2005). These data indicate that the variant is very likely to be associated with disease. At least one publication reports experimental evidence evaluating an impact on protein function (example, Coulter-Mackie_2005). The most pronounced variant effect results in aggregation of AGT and <2% of normal Alanine:glyoxylate aminotransferase-1 (AGT) enzyme activity. Five clinical diagnostic laboratories have submitted clinical-significance assessments for this variant to ClinVar after 2014 without evidence for independent evaluation. All laboratories classified the variant as pathogenic/likely pathogenic. Based on the evidence outlined above, the variant was classified as pathogenic.

Fulgent Genetics
Classification: Pathogenic for Primary hyperoxaluria, type I. Last evaluated: 2021-12-27. Review status: criteria provided, single submitter. Criteria: ACMG Guidelines, 2015. Collection method: clinical testing. Allele origin: unknown.

Revvity Omics, Revvity
Classification: Pathogenic for Primary hyperoxaluria, type I. Last evaluated: 2021-03-20. Review status: criteria provided, single submitter. Criteria: ACMG Guidelines, 2015. Collection method: clinical testing. Allele origin: germline.

Chinese Inherited Urolithiasis Consortium, The Affiliated Yantai Yuhuangding Hospital of Qingdao University
Classification: Pathogenic for Primary hyperoxaluria, type I. Last evaluated: 2024-08-26. Review status: no assertion criteria provided. Collection method: clinical testing. Allele origin: biparental. Affected: yes. Observed: 1 variant allele. Not counted in ClinVar's aggregate classification.

Yale Center for Mendelian Genomics, Yale University
Classification: Likely pathogenic for Nephrolithiasis; Nephrocalcinosis. Last evaluated: 2017-09-08. Review status: no assertion criteria provided. Collection method: literature only. Allele origin: germline. Affected: yes. Observed: 2 compound heterozygotes. Not counted in ClinVar's aggregate classification.

Clinical Biochemistry Laboratory, Health Services Laboratory
Classification: Pathogenic for Primary hyperoxaluria, type I. Last evaluated: 2014-11-27. Review status: no assertion criteria provided. Collection method: in vitro. Allele origin: germline. Affected: yes. Not counted in ClinVar's aggregate classification.

OMIM
Classification: Pathogenic for HYPEROXALURIA, PRIMARY, TYPE I. Last evaluated: 2013-01-25. Review status: no assertion criteria provided. Collection method: literature only. Allele origin: germline. Not counted in ClinVar's aggregate classification.

GeneReviews
No classification provided. Condition: Primary hyperoxaluria, type I. Review status: no classification provided. Collection method: literature only. Allele origin: germline. Affected: yes. Not counted in ClinVar's aggregate classification.

Genomics England Pilot Project, Genomics England
Classification: Pathogenic for Primary hyperoxaluria, type I. Review status: no assertion criteria provided. Criteria: ACGS Guidelines, 2016. Collection method: clinical testing. Allele origin: germline. Affected: yes. Not counted in ClinVar's aggregate classification.

Literature cited by the submitters: PubMed 8101040 (cited by 4 submitters); PubMed 15802217 (cited by 4 submitters); PubMed 20133649 (cited by Labcorp Genetics (formerly Invitae), Labcorp and Rare Kidney Stone Consortium and the Mayo Clinic Hyperoxaluria Center, Mayo Clinic); PubMed 23229545 (cited by 3 submitters); PubMed 2889341 (cited by Rare Kidney Stone Consortium and the Mayo Clinic Hyperoxaluria Center, Mayo Clinic); PubMed 10960483 (cited by Rare Kidney Stone Consortium and the Mayo Clinic Hyperoxaluria Center, Mayo Clinic and OMIM); PubMed 21176891 (cited by Rare Kidney Stone Consortium and the Mayo Clinic Hyperoxaluria Center, Mayo Clinic); PubMed 22923379 (cited by Rare Kidney Stone Consortium and the Mayo Clinic Hyperoxaluria Center, Mayo Clinic); PubMed 23597595 (cited by Rare Kidney Stone Consortium and the Mayo Clinic Hyperoxaluria Center, Mayo Clinic); PubMed 26161999 (cited by Rare Kidney Stone Consortium and the Mayo Clinic Hyperoxaluria Center, Mayo Clinic); PubMed 32518881 (cited by Rare Kidney Stone Consortium and the Mayo Clinic Hyperoxaluria Center, Mayo Clinic); PubMed 34758253 (cited by Rare Kidney Stone Consortium and the Mayo Clinic Hyperoxaluria Center, Mayo Clinic); PubMed 35314707 (cited by Rare Kidney Stone Consortium and the Mayo Clinic Hyperoxaluria Center, Mayo Clinic); PubMed 35612621 (cited by Rare Kidney Stone Consortium and the Mayo Clinic Hyperoxaluria Center, Mayo Clinic); PubMed 36409364 (cited by Rare Kidney Stone Consortium and the Mayo Clinic Hyperoxaluria Center, Mayo Clinic); PubMed 37306718 (cited by Rare Kidney Stone Consortium and the Mayo Clinic Hyperoxaluria Center, Mayo Clinic); PubMed 38657121 (cited by Rare Kidney Stone Consortium and the Mayo Clinic Hyperoxaluria Center, Mayo Clinic); PubMed 40794449 (cited by Rare Kidney Stone Consortium and the Mayo Clinic Hyperoxaluria Center, Mayo Clinic); PubMed 17495019 (cited by 3billion); PubMed 17460142 (cited by Natera, Inc. and Women's Health and Genetics/Laboratory Corporation of America, LabCorp); PubMed 31078535 (cited by Women's Health and Genetics/Laboratory Corporation of America, LabCorp); PubMed 15961946 (cited by Women's Health and Genetics/Laboratory Corporation of America, LabCorp); PubMed 28893421 (cited by Yale Center for Mendelian Genomics, Yale University); PubMed 9136629 (cited by OMIM); PubMed 19155213 (cited by OMIM); NCBI Bookshelf NBK1283 (cited by GeneReviews).